The following is an entry in ClinVar:

ClinVar aggregate classification (germline): Uncertain significance (1 of 4 stars; one submission).

Conditions:
Primary ciliary dyskinesia 33. Also called: CILIARY DYSKINESIA, PRIMARY, 33, WITHOUT SITUS INVERSUS. Identifiers: Orphanet 244, MedGen C4225230, MONDO:0014750, OMIM 616726.

gnomAD v4.1: 1 of 1,594,286 alleles (0.000063%); highest among the groups gnomAD compares: East Asian, 0.0023%; no homozygotes.

Submission:

Labcorp Genetics (formerly Invitae), Labcorp
Classification: Uncertain significance for Primary ciliary dyskinesia 33. Last evaluated: 2025-05-06. Review status: criteria provided, single submitter. Criteria: Invitae Variant Classification Sherloc (09022015). Collection method: clinical testing. Allele origin: germline.
Comment: This sequence change replaces methionine, which is neutral and non-polar, with threonine, which is neutral and polar, at codon 84 of the GAS8 protein (p.Met84Thr). This variant is not present in population databases (gnomAD no frequency). This variant has not been reported in the literature in individuals affected with GAS8-related conditions. Invitae Evidence Modeling of protein sequence and biophysical properties (such as structural, functional, and spatial information, amino acid conservation, physicochemical variation, residue mobility, and thermodynamic stability) indicates that this missense variant is not expected to disrupt GAS8 protein function with a negative predictive value of 80%. In summary, the available evidence is currently insufficient to determine the role of this variant in disease. Therefore, it has been classified as a Variant of Uncertain Significance.

NM_001481.3(DRC4):c.251T>C (p.Met84Thr)

Gene: DRC4 (dynein regulatory complex subunit 4; plus strand). Cytogenetic location: 16q24.3.
Variant type: single nucleotide variant.
Coding change: c.251T>C on transcript NM_001481.3 (MANE Select); coding-DNA position 251, T replaced by C.
Protein change: p.Met84Thr; replaces methionine 84 with threonine.
Molecular consequence: missense variant. On other transcripts: initiator codon variant (1), 5 prime UTR variant (1).
Genome position (GRCh38, 1-based): chr16:90,031,459, T>C. VCF-style: chr16-90031459-T-C. GRCh37 (hg19) VCF-style: chr16-90097867-T-C.
Other names: c.2T>C, p.Met1Thr (NM_001286205.2); c.-271T>C (NM_001286208.2); c.176T>C, p.Met59Thr (NM_001286209.2); short protein forms M1T, M84T, M59T.
Identifiers: ClinVar variation 4795025 (VCV004795025.1).